The following is an entry in ClinVar:

NM_025074.7(FRAS1):c.7539del (p.Gly2513_Leu2514insTer)

Gene: FRAS1 (Fraser extracellular matrix complex subunit 1; plus strand). Cytogenetic location: 4q21.21.
Variant type: Deletion.
Coding change: c.7539del on transcript NM_025074.7 (MANE Select); coding-DNA position 7539, one base deleted (G; older notation c.7539delG).
Protein change: p.Gly2513_Leu2514insTer.
Molecular consequence: frameshift variant.
Genome position (GRCh38, 1-based): chr4:78,473,454, G deleted; the last of 4 consecutive G bases (chr4:78,473,451-78,473,454); deleting any one gives the same sequence. VCF-style (leftmost placement, unchanged base first): chr4-78473450-TG-T. GRCh37 (hg19) VCF-style: chr4-79394604-TG-T.
Identifiers: ClinVar variation 2861734 (VCV002861734.3), dbSNP rs2477297765, ClinGen allele CA2739270144.

ClinVar aggregate classification (germline): Pathogenic (1 of 4 stars; one submission).

Submission:

Labcorp Genetics (formerly Invitae), Labcorp
Classification: Pathogenic. Last evaluated: 2023-05-02. Review status: criteria provided, single submitter. Criteria: Invitae Variant Classification Sherloc (09022015). Collection method: clinical testing. Allele origin: germline.
Comment: This variant is not present in population databases (gnomAD no frequency). This sequence change creates a premature translational stop signal (p.Leu2514*) in the FRAS1 gene. It is expected to result in an absent or disrupted protein product. Loss-of-function variants in FRAS1 are known to be pathogenic (PMID: 12766769, 18671281). For these reasons, this variant has been classified as Pathogenic. This variant has not been reported in the literature in individuals affected with FRAS1-related conditions.

Literature cited by the submitters: PubMed 12766769; PubMed 18671281.